The following is an entry in ClinVar:

NM_152672.6(SLC51A):c.653C>T (p.Ala218Val)

Gene: SLC51A (solute carrier family 51 member A; plus strand). Cytogenetic location: 3q29.
Variant type: single nucleotide variant.
Coding change: c.653C>T on transcript NM_152672.6 (MANE Select); coding-DNA position 653, C replaced by T.
Protein change: p.Ala218Val; replaces alanine 218 with valine.
Molecular consequence: missense variant.
Genome position (GRCh38, 1-based): chr3:196,229,934, C>T. VCF-style: chr3-196229934-C-T. GRCh37 (hg19) VCF-style: chr3-195956805-C-T.
Other names: short protein forms A218V.
Identifiers: ClinVar variation 4989688 (VCV004989688.1).
Genomic context (GRCh38, chr3:196,229,934, plus strand): 5'-AGAGCTTGCCTGCCTCACTGACTACTTTCTGTTGCCACCAGATTTCTGAGGGGAGCACAG[C>T]TCTATGGATCAACACTTTCCTTGGCGTGTCCACACTGCTGGCTCTCTGGACCCTGGGCAT-3'
Protein context (NP_689885.4, residues 208-228): DPADISEGST[Ala218Val]LWINTFLGVS

ClinVar aggregate classification (germline): Uncertain significance (1 of 4 stars; one submission).

Conditions:
SLC51A-related disorder. Also called: SLC51A-related condition.

gnomAD v4.1: 7 of 1,611,786 alleles (0.00043%); highest among the groups gnomAD compares: African/African-American, 0.0093%; no homozygotes.

Submission:

PreventionGenetics, part of Exact Sciences
Classification: Uncertain significance for SLC51A-related condition. Last evaluated: 2025-11-24. Review status: criteria provided, single submitter. Criteria: ACMG Guidelines, 2015. Collection method: clinical testing. Allele origin: germline.
Comment: The SLC51A c.653C>T variant is predicted to result in the amino acid substitution p.Ala218Val. To our knowledge, this variant has not been previously reported in the literature in association with disease. This variant is reported in 0.02% of alleles in individuals of African descent in gnomAD. At this time, the clinical significance of this variant is uncertain due to the absence of conclusive genetic and functional evidence.